The following is an entry in ClinVar:

NM_004972.4(JAK2):c.3376A>G (p.Ile1126Val)

Genes: INSL6 (insulin like 6; minus strand), JAK2 (Janus kinase 2; plus strand). Cytogenetic location: 9p24.1.
Variant type: single nucleotide variant.
Coding change: c.3376A>G on transcript NM_004972.4 (MANE Select); coding-DNA position 3376, A replaced by G.
Protein change: p.Ile1126Val; replaces isoleucine 1126 with valine.
Molecular consequence: missense variant. On other transcripts: non-coding transcript variant (2).
Genome position (GRCh38, 1-based): chr9:5,126,768, A>G. VCF-style: chr9-5126768-A-G. GRCh37 (hg19) VCF-style: chr9-5126768-A-G.
Other names: c.3376A>G, p.Ile1126Val (NM_001322194.2, NM_001322195.2, NM_001322196.2); c.2161A>G, p.Ile721Val (NM_001322198.2, NM_001322199.2); c.2929A>G, p.Ile977Val (NM_001322204.2); short protein forms I721V, I1126V, I977V.
Identifiers: ClinVar variation 3684811 (VCV003684811.2).
Genomic context (GRCh38, chr9:5,126,768, plus strand): 5'-TGGAACAATAATGTAAATCAACGCCCCTCCTTTAGGGATCTAGCTCTTCGAGTGGATCAA[A>G]TAAGGGATAACATGGCTGGATGAAAGAAATGACCTTCATTCTGAGACCAAAGTAGATTTA-3'
Protein context (NP_004963.1, residues 1116-1132): FRDLALRVDQ[Ile1126Val]RDNMAG

ClinVar aggregate classification (germline): Uncertain significance (1 of 4 stars; one submission).

Submission:

Labcorp Genetics (formerly Invitae), Labcorp
Classification: Uncertain significance. Last evaluated: 2024-06-06. Review status: criteria provided, single submitter. Criteria: Invitae Variant Classification Sherloc (09022015). Collection method: clinical testing. Allele origin: germline.
Comment: This sequence change replaces isoleucine, which is neutral and non-polar, with valine, which is neutral and non-polar, at codon 1126 of the JAK2 protein (p.Ile1126Val). This variant is not present in population databases (gnomAD no frequency). This variant has not been reported in the literature in individuals affected with JAK2-related conditions. Advanced modeling of protein sequence and biophysical properties (such as structural, functional, and spatial information, amino acid conservation, physicochemical variation, residue mobility, and thermodynamic stability) performed at Invitae indicates that this missense variant is not expected to disrupt JAK2 protein function with a negative predictive value of 80%. Algorithms developed to predict the effect of sequence changes on RNA splicing suggest that this variant may create or strengthen a splice site. In summary, the available evidence is currently insufficient to determine the role of this variant in disease. Therefore, it has been classified as a Variant of Uncertain Significance.